The following is an entry in ClinVar:

NM_020163.3(SEMA3G):c.69C>T (p.Gly23=)

Gene: SEMA3G (semaphorin 3G; minus strand). Cytogenetic location: 3p21.1.
Variant type: single nucleotide variant.
Coding change: c.69C>T on transcript NM_020163.3 (MANE Select); coding-DNA position 69, C replaced by T.
Protein change: p.Gly23=; no amino-acid change (glycine 23 retained).
Molecular consequence: synonymous variant.
Genome position (GRCh38, 1-based): chr3:52,444,959, G>A on the plus strand (C>T on the coding strand, the complement: SEMA3G is on the minus strand). VCF-style: chr3-52444959-G-A. GRCh37 (hg19) VCF-style: chr3-52478975-G-A.
Identifiers: ClinVar variation 4988915 (VCV004988915.1).

ClinVar aggregate classification (germline): Likely benign (1 of 4 stars; one submission).

Conditions:
SEMA3G-related disorder. Also called: SEMA3G-related condition.

gnomAD v4.1: 1 of 1,303,404 alleles (0.000077%); highest among the groups gnomAD compares: Non-Finnish European, 0.000098%; no homozygotes.

Submission:

PreventionGenetics, part of Exact Sciences
Classification: Likely benign for SEMA3G-related condition. Last evaluated: 2026-07-17. Review status: criteria provided, single submitter. Criteria: ACMG Guidelines, 2015. Collection method: clinical testing. Allele origin: germline.
Comment: This variant is classified as likely benign based on ACMG/AMP sequence variant interpretation guidelines (Richards et al. 2015 PMID: 25741868, with internal and published modifications).